The following is an entry in ClinVar:

NM_000875.5(IGF1R):c.953+7C>A

Gene: IGF1R (insulin like growth factor 1 receptor; plus strand). Cytogenetic location: 15q26.3.
Variant type: single nucleotide variant.
Coding change: c.953+7C>A on transcript NM_000875.5 (MANE Select); 7 bases into the intron after coding-DNA position 953, C replaced by A.
Molecular consequence: intron variant.
Genome position (GRCh38, 1-based): chr15:98,891,644, C>A. VCF-style: chr15-98891644-C-A. GRCh37 (hg19) VCF-style: chr15-99434873-C-A.
Other names: c.953+7C>A (NM_001291858.2).
Identifiers: ClinVar variation 4883111 (VCV004883111.2).

ClinVar aggregate classification (germline): Uncertain significance (1 of 4 stars; one submission).

gnomAD v4.1: 1 of 1,599,312 alleles (0.000063%); highest among the groups gnomAD compares: Non-Finnish European, 0.000085%; no homozygotes.

Submission:

Dasa
Classification: Uncertain significance. Last evaluated: 2025-04-10. Review status: criteria provided, single submitter. Criteria: DASA Assertion Criteria. Collection method: clinical testing. Allele origin: germline.
Comment: NM_000875.5(IGF1R):c.953+7C>A is a splice-region variant. This variant is rare in population databases. Computational prediction algorithms are consistent with a benign effect. The currently available literature and clinical evidence are not sufficient to establish a definitive association between this variant and the reported condition. Therefore, this variant is classified as a variant of uncertain significance.